The following is an entry in ClinVar:

NM_000492.4(CFTR):c.461del (p.Ile154fs)

Gene: CFTR (CF transmembrane conductance regulator; plus strand). Cytogenetic location: 7q31.2.
Variant type: Deletion.
Coding change: c.461del on transcript NM_000492.4 (MANE Select); coding-DNA position 461, one base deleted (T; older notation c.461delT).
Protein change: p.Ile154fs; shifts the reading frame from isoleucine 154.
Molecular consequence: frameshift variant.
Genome position (GRCh38, 1-based): chr7:117,531,086, T deleted. VCF-style (leftmost placement, unchanged base first): chr7-117531085-AT-A. GRCh37 (hg19) VCF-style: chr7-117171139-AT-A.
Other names: c.461delT, p.Ile154Lysfs (NM_000492.3); short protein forms I154fs.
Identifiers: ClinVar variation 4818564 (VCV004818564.1).
Genomic context (GRCh38, chr7:117,531,085, plus strand): 5'-AGGACACTGCTCCTACACCCAGCCATTTTTGGCCTTCATCACATTGGAATGCAGATGAGA[AT>A]AGCTATGTTTAGTTTGATTTATAAGAAGGTAATACTTCCTTGCACAGGCCCCATGGCACA-3'

ClinVar aggregate classification (germline): Likely pathogenic (1 of 4 stars; one submission).

Conditions:
CFTR-related disorder (CFTR-RD). Also called: CFTR-related disorders; CFTR-related condition. Identifiers: MedGen C5924204, MONDO:7770004.

Submission:

Natera, Inc.
Classification: Likely pathogenic for CFTR-related disorders. Last evaluated: 2024-12-26. Review status: criteria provided, single submitter. Criteria: Natera Variant Classification Schema (03/2026). Collection method: clinical testing. Allele origin: germline.
Comment: The c.461del variant in CFTR is a frameshift variant predicted to shift the reading frame beginning at codon 154 and leads to a stop codon 6 codons downstream. This variant is expected to result in nonsense mediated decay, truncation, or a dysfunctional protein product. This variant is rare in the general population with a frequency below the threshold expected for the associated phenotype(s). Given the available evidence, this variant is classified as Likely Pathogenic.